The following is an entry in ClinVar:

NM_004006.3(DMD):c.10546G>T (p.Glu3516Ter)

Gene: DMD (dystrophin; minus strand). Cytogenetic location: Xp21.2.
Variant type: single nucleotide variant.
Coding change: c.10546G>T on transcript NM_004006.3 (MANE Select); coding-DNA position 10546, G replaced by T.
Protein change: p.Glu3516Ter; replaces glutamic acid 3516 with a stop codon.
Molecular consequence: nonsense. On other transcripts: intron variant (2).
Genome position (GRCh38, 1-based): chrX:31,169,450, C>A on the plus strand (G>T on the coding strand, the complement: DMD is on the minus strand). VCF-style: chrX-31169450-C-A. GRCh37 (hg19) VCF-style: chrX-31187567-C-A.
Other names: c.10522G>T, p.Glu3508Ter (NM_000109.4); c.10534G>T, p.Glu3512Ter (NM_004009.3); c.10177G>T, p.Glu3393Ter (NM_004010.3); c.6523G>T, p.Glu2175Ter (NM_004011.4); c.6514G>T, p.Glu2172Ter (NM_004012.4); c.3166G>T, p.Glu1056Ter (NM_004013.3, NM_004021.3); c.2359G>T, p.Glu787Ter (NM_004014.3); c.1342G>T, p.Glu448Ter (NM_004015.3, NM_004016.3); and 3 more; short protein forms E3516*, E2172*, E3512*, E1056*, E2175*, E435*, E787*, E1043*.
Identifiers: ClinVar variation 585779 (VCV000585779.12), dbSNP rs1569401103, ClinGen allele CA412651672.

ClinVar aggregate classification (germline): Pathogenic. Review status: criteria provided, multiple submitters, no conflicts (2 of 4 stars). 4 submissions from 4 submitters: Pathogenic (4). Last evaluated 2025-08-08.

Conditions:
Becker muscular dystrophy, Cardiomyopathy, Duchenne muscular dystrophy, Dystrophin deficiency.
Duchenne muscular dystrophy (DMD). Also called: MUSCULAR DYSTROPHY, PSEUDOHYPERTROPHIC PROGRESSIVE, DUCHENNE TYPE; Duchenne Muscular Dystrophy (DMD). Identifiers: Orphanet 98896, MedGen C0013264, MONDO:0010679, OMIM 310200.

Submissions (4):

Natera, Inc.
Classification: Pathogenic for Becker muscular dystrophy, Cardiomyopathy, Duchenne muscular dystrophy, Dystrophin deficiency. Last evaluated: 2025-08-08. Review status: criteria provided, single submitter. Criteria: Natera Variant Classification Schema (03/2026). Collection method: clinical testing. Allele origin: germline.
Comment: The c.10546G>T variant in DMD is a nonsense variant predicted to introduce a stop codon at amino acid 3516. This variant is expected to result in nonsense mediated decay, truncation, or a dysfunctional protein product. This variant is rare in the general population with a frequency below the threshold expected for the associated phenotype(s). This variant has been observed in affected individual(s) with monoallelic occurrence (heterozygous/hemizygous) (PMID: 33552634, 29604111, 18583217). Given the available evidence, this variant is classified as Pathogenic.

Athena Diagnostics
Classification: Pathogenic. Last evaluated: 2023-12-29. Review status: criteria provided, single submitter. Criteria: Athena Diagnostics Criteria. Collection method: clinical testing. Allele origin: unknown.
Comment: This variant is expected to result in the loss of a functional protein. This variant has been identified in at least one individual with DMD and at least one individual with BMD. This variant has not been reported in large, multi-ethnic general populations. According to published research, less than 2% of dystrophin-related disease is due to missense mutation (Flanigan, et al. 2009. Hum Mutat 30: 1657-66. PMID: 19937601).

GeneDx
Classification: Pathogenic. Last evaluated: 2023-12-11. Review status: criteria provided, single submitter. Criteria: GeneDx Variant Classification Process June 2021. Collection method: clinical testing. Allele origin: germline. Affected: yes.
Comment: Nonsense variant predicted to result in protein truncation or nonsense mediated decay in a gene for which loss of function is a known mechanism of disease; Not observed at significant frequency in large population cohorts (gnomAD); Based on the understanding of this genetic alteration, it may be amenable to nonsense read-through therapy that is currently available or in clinical trial; This variant is associated with the following publications: (PMID: 25525159, 18583217, 29604111, 33552634)

Labcorp Genetics (formerly Invitae), Labcorp
Classification: Pathogenic for Duchenne muscular dystrophy. Last evaluated: 2021-06-28. Review status: criteria provided, single submitter. Criteria: Invitae Variant Classification Sherloc (09022015). Collection method: clinical testing. Allele origin: germline.
Comment: This sequence change creates a premature translational stop signal (p.Glu3516*) in the DMD gene. It is expected to result in an absent or disrupted protein product. Loss-of-function variants in DMD are known to be pathogenic (PMID: 16770791, 25007885). This variant is not present in population databases (ExAC no frequency). This variant has been observed in individual(s) with DMD-related conditions (PMID: 18583217, 29604111). ClinVar contains an entry for this variant (Variation ID: 585779). For these reasons, this variant has been classified as Pathogenic.

Literature cited by the submitters: PubMed 33552634 (cited by Natera, Inc. and Athena Diagnostics); PubMed 29604111 (cited by 3 submitters); PubMed 18583217 (cited by 3 submitters); PubMed 25525159 (cited by Athena Diagnostics); PubMed 16770791 (cited by Labcorp Genetics (formerly Invitae), Labcorp); PubMed 25007885 (cited by Labcorp Genetics (formerly Invitae), Labcorp).